The following is an entry in ClinVar:

NM_007294.4(BRCA1):c.5272A>T (p.Arg1758Ter)

Gene: BRCA1 (BRCA1 DNA repair associated; minus strand). Cytogenetic location: 17q21.31.
Variant type: single nucleotide variant.
Coding change: c.5272A>T on transcript NM_007294.4 (MANE Select); coding-DNA position 5272, A replaced by T.
Protein change: p.Arg1758Ter; replaces arginine 1758 with a stop codon.
Molecular consequence: nonsense. On other transcripts: non-coding transcript variant (1).
Genome position (GRCh38, 1-based): chr17:43,057,057, T>A on the plus strand (A>T on the coding strand, the complement: BRCA1 is on the minus strand). VCF-style: chr17-43057057-T-A. GRCh37 (hg19) VCF-style: chr17-41209074-T-A.
Other names: c.5059A>T, p.Arg1687Ter (NM_001407907.1, NM_001407908.1, NM_001407909.1 and 12 more transcripts); c.5056A>T, p.Arg1686Ter (NM_001407915.1, NM_001407916.1, NM_001407917.1 and 1 more transcripts); c.5008A>T, p.Arg1670Ter (NM_001407926.1, NM_001407920.1, NM_001407921.1 and 4 more transcripts); c.5005A>T, p.Arg1669Ter (NM_001407927.1, NM_001407928.1, NM_001407929.1 and 4 more transcripts); c.5002A>T, p.Arg1668Ter (NM_001407934.1, NM_001407935.1, NM_001407936.1); c.5128A>T, p.Arg1710Ter (NM_001407945.1, NM_001407734.1, NM_001407735.1 and 21 more transcripts); c.4939A>T, p.Arg1647Ter (NM_001407946.1, NM_001407947.1, NM_001407948.1 and 1 more transcripts); c.4936A>T, p.Arg1646Ter (NM_001407950.1, NM_001407951.1, NM_001407952.1 and 3 more transcripts); and 72 more; short protein forms R1711*, R1779*, R654*, R1758*, R1631*, R1647*, R1669*, R1686*.
Identifiers: ClinVar variation 867302 (VCV000867302.4), dbSNP rs1597810455, ClinGen allele CA10591009.

Conditions:
Breast-ovarian cancer, familial, susceptibility to, 1 (BROVCA1). Also called: BRCA1 Hereditary Breast and Ovarian Cancer; OVARIAN CANCER, SUSCEPTIBILITY TO. Identifiers: Orphanet 145, MedGen C2676676, MONDO:0011450, OMIM 604370. Disease mechanism: loss of function.

Submission:

Brotman Baty Institute, University of Washington
No classification provided (evidence only). Condition: Breast-ovarian cancer, familial 1. Review status: no classification provided. Collection method: in vitro. Allele origin: not applicable. Functional consequence: functionally_abnormal.
ClinVar note: "not provided" was previously submitted as the classification for the variant. However, the classification appeared to be based only on an observation of functional data so it was converted to no classification on 2025-07-30.